The following is an entry in ClinVar:

NM_130811.4(SNAP25):c.425G>A (p.Arg142Gln)

Gene: SNAP25 (synaptosome associated protein 25; plus strand). Cytogenetic location: 20p12.2.
Variant type: single nucleotide variant.
Coding change: c.425G>A on transcript NM_130811.4 (MANE Select); coding-DNA position 425, G replaced by A.
Protein change: p.Arg142Gln; replaces arginine 142 with glutamine.
Molecular consequence: missense variant.
Genome position (GRCh38, 1-based): chr20:10,299,285, G>A. VCF-style: chr20-10299285-G-A. GRCh37 (hg19) VCF-style: chr20-10279933-G-A.
Other names: c.425G>A, p.Arg142Gln (NM_001322902.2, NM_001322903.2, NM_001322904.2 and 7 more transcripts); short protein forms R142Q.
Identifiers: ClinVar variation 1489190 (VCV001489190.8), dbSNP rs2064181232, ClinGen allele CA408266478.
Genomic context (GRCh38, chr20:10,299,285, plus strand): 5'-TTTTCCACCCTCTGTCTTCTAAAACTTGCTCTTTGGATCCCAGGGTAACAAATGATGCCC[G>A]AGAAAATGAAATGGATGAAAACCTAGAGCAGGTGAGCGGCATCATCGGGAACCTCCGTCA-3'
Protein context (NP_570824.1, residues 132-152): GFIRRVTNDA[Arg142Gln]ENEMDENLEQ

ClinVar aggregate classification (germline): Uncertain significance (1 of 4 stars; one submission).

Conditions:
Congenital myasthenic syndrome 18. Also called: MYASTHENIC SYNDROME, CONGENITAL, 18, WITH INTELLECTUAL DISABILITY AND ATAXIA. Identifiers: Orphanet 590, MedGen C4225364, MONDO:0014590, OMIM 616330.

Allele frequency attached by ClinVar (database versions not stated): gnomAD exomes below 0.00001.

Submission:

Labcorp Genetics (formerly Invitae), Labcorp
Classification: Uncertain significance for Congenital myasthenic syndrome 18. Last evaluated: 2026-01-26. Review status: criteria provided, single submitter. Criteria: Invitae Variant Classification Sherloc (09022015). Collection method: clinical testing. Allele origin: germline.
Comment: This sequence change replaces arginine, which is basic and polar, with glutamine, which is neutral and polar, at codon 142 of the SNAP25 protein (p.Arg142Gln). This variant is not present in population databases (gnomAD no frequency). This variant has not been reported in the literature in individuals affected with SNAP25-related conditions. ClinVar contains an entry for this variant (Variation ID: 1489190). An algorithm developed to predict the effect of missense changes on protein structure and function (PolyPhen-2) suggests that this variant is likely to be disruptive. In summary, the available evidence is currently insufficient to determine the role of this variant in disease. Therefore, it has been classified as a Variant of Uncertain Significance.